The following is an entry in ClinVar:

NM_021098.3(CACNA1H):c.2736G>T (p.Met912Ile)

Gene: CACNA1H (calcium voltage-gated channel subunit alpha1 H; plus strand). Cytogenetic location: 16p13.3.
Variant type: single nucleotide variant.
Coding change: c.2736G>T on transcript NM_021098.3 (MANE Select); coding-DNA position 2736, G replaced by T.
Protein change: p.Met912Ile; replaces methionine 912 with isoleucine.
Molecular consequence: missense variant.
Genome position (GRCh38, 1-based): chr16:1,206,236, G>T. VCF-style: chr16-1206236-G-T. GRCh37 (hg19) VCF-style: chr16-1256236-G-T.
Other names: c.2736G>T, p.Met912Ile (NM_001005407.2); short protein forms M912I.
Identifiers: ClinVar variation 2101548 (VCV002101548.4), dbSNP rs1184910813, ClinGen allele CA394169247.

ClinVar aggregate classification (germline): Uncertain significance (1 of 4 stars; one submission).

Conditions:
Idiopathic generalized epilepsy. Also called: EIG; Generalised epilepsy. Identifiers: MedGen C0270850, MONDO:0005579, OMIM 600669.
Hyperaldosteronism, familial, type IV (HALD4). Also called: FH IV; ALDOSTERONISM, PRIMARY, AND HYPERTENSION. Identifiers: Orphanet 642671, MedGen C4310756, MONDO:0014875, OMIM 617027.

Submission:

Labcorp Genetics (formerly Invitae), Labcorp
Classification: Uncertain significance for Idiopathic generalized epilepsy; Hyperaldosteronism, familial, type IV. Last evaluated: 2025-07-10. Review status: criteria provided, single submitter. Criteria: Invitae Variant Classification Sherloc (09022015). Collection method: clinical testing. Allele origin: germline.
Comment: This sequence change replaces methionine, which is neutral and non-polar, with isoleucine, which is neutral and non-polar, at codon 912 of the CACNA1H protein (p.Met912Ile). This variant is not present in population databases (gnomAD no frequency). This variant has not been reported in the literature in individuals affected with CACNA1H-related conditions. ClinVar contains an entry for this variant (Variation ID: 2101548). Invitae Evidence Modeling of protein sequence and biophysical properties (such as structural, functional, and spatial information, amino acid conservation, physicochemical variation, residue mobility, and thermodynamic stability) has been performed for this missense variant. However, the output from this modeling did not meet the statistical confidence thresholds required to predict the impact of this variant on CACNA1H protein function. In summary, the available evidence is currently insufficient to determine the role of this variant in disease. Therefore, it has been classified as a Variant of Uncertain Significance.